The following is an entry in ClinVar:

ClinVar aggregate classification (germline): Uncertain significance (1 of 4 stars; one submission).

Submission:

Labcorp Genetics (formerly Invitae), Labcorp
Classification: Uncertain significance. Last evaluated: 2024-05-06. Review status: criteria provided, single submitter. Criteria: Invitae Variant Classification Sherloc (09022015). Collection method: clinical testing. Allele origin: germline.
Comment: This sequence change affects an acceptor splice site in intron 11 of the COMP gene. It is expected to disrupt RNA splicing. Variants that disrupt the donor or acceptor splice site typically lead to a loss of protein function (PMID: 16199547), however the current clinical and genetic evidence is not sufficient to establish whether loss-of-function variants in COMP cause disease. This variant is not present in population databases (gnomAD no frequency). This variant has not been reported in the literature in individuals affected with COMP-related conditions. ClinVar contains an entry for this variant (Variation ID: 2090111). Algorithms developed to predict the effect of sequence changes on RNA splicing suggest that this variant may disrupt the consensus splice site. In summary, the available evidence is currently insufficient to determine the role of this variant in disease. Therefore, it has been classified as a Variant of Uncertain Significance.

Literature cited by the submitters: PubMed 16199547.

NM_000095.3(COMP):c.1255-2A>G

Gene: COMP (cartilage oligomeric matrix protein; minus strand). Cytogenetic location: 19p13.11.
Variant type: single nucleotide variant.
Coding change: c.1255-2A>G on transcript NM_000095.3 (MANE Select); the canonical splice acceptor site of the intron before coding-DNA position 1255, A replaced by G.
Molecular consequence: splice acceptor variant.
Genome position (GRCh38, 1-based): chr19:18,786,293, T>C on the plus strand (A>G on the coding strand, the complement: COMP is on the minus strand). VCF-style: chr19-18786293-T-C. GRCh37 (hg19) VCF-style: chr19-18897103-T-C.
Identifiers: ClinVar variation 2090111 (VCV002090111.4), dbSNP rs2055166850, ClinGen allele CA404886092.